The following continues an entry in ClinVar:

NM_005343.4(HRAS):c.35G>A (p.Gly12Asp)

ClinVar aggregate classification (germline): Pathogenic/Likely pathogenic. Pathogenic (12); Likely pathogenic (1).

Submissions 11 to 18 of 18:

Genome Diagnostics Laboratory, The Hospital for Sick Children
Classification: Likely pathogenic for Noonan syndrome and Noonan-related syndrome. Last evaluated: 2017-07-06. Review status: criteria provided, single submitter. Criteria: ACMG Guidelines, 2015. Collection method: clinical testing. Allele origin: germline. Affected: yes.

Laboratory for Molecular Medicine, Mass General Brigham Personalized Medicine
Classification: Pathogenic for Costello syndrome. Last evaluated: 2011-03-09. Review status: criteria provided, single submitter. Criteria: LMM Criteria. Collection method: clinical testing. Allele origin: germline. Observed: 1 variant allele.
Comment: The Gly12Asp variant in HRAS has been reported in the literature in four individ uals with severe neonatal Costello syndrome (Lo 2008, Kuniba 2009, Sinico 2010). This variant has been reported to have occurred de novo in two probands (Lo 200 8, Sinico 2010). This variant has been observed as a somatic change in tumor tis sue. Several other variants in codon 12 of HRAS are commonly observed in Costell o syndrome patients (Lin 2011). Therefore, it is highly likely that this variant is pathogenic.

Juno Genomics, Hangzhou Juno Genomics, Inc
Classification: Pathogenic for Costello syndrome. Review status: criteria provided, single submitter. Criteria: ACMG Guidelines, 2015. Collection method: clinical testing. Allele origin: germline. Affected: yes.
Comment: Absent from controls (or at extremely low frequency if recessive) in Genome Aggregation Database.;The prevalence of the variant in affected individuals is significantly increased compared to the prevalence in controls.;Assumed de novo, but without confirmation of paternity and maternity.;Multiple lines of computational evidence support a deleterious effect on the gene or gene product.;Located in a mutational hot spot and/or critical and well-established functional domain without benign variation.

PreventionGenetics, part of Exact Sciences
Classification: Pathogenic for HRAS-related condition. Last evaluated: 2024-08-04. Review status: no assertion criteria provided. Collection method: clinical testing. Allele origin: germline. Not counted in ClinVar's aggregate classification.
Comment: The HRAS c.35G>A variant is predicted to result in the amino acid substitution p.Gly12Asp. This is a recurrent de novo variant reported in individuals with autosomal dominant Costello syndrome (Table 1, Case 5, Becher et al. 2020. PubMed ID: 32304219; Table S1, Individual ID 47, Gabriel et al. 2022. PubMed ID: 34958143; Table 2, Individual ID 28, Pezzoli et al. 2021. PubMed ID: 35050212 ). In vitro experimental studies suggest this variant impacts protein function (Niihori et al. 2011. PubMed ID: 21850009). This variant has not been reported in a large population database, indicating this variant is rare. It is interpreted as pathogenic and likely pathogenic in ClinVar. Alternate nucleotide changes affecting the same amino acid (p.Gly12Ala, p.Gly12Cys, and p.Gly12Ser) have been reported to be associated with Costello syndrome (Table 1, Niihori et al. 2011. PubMed ID: 21850009; ClinVar Variation IDs: 12603, 12606, and 376323). This variant is interpreted as pathogenic.

Institute of Medical Sciences, Banaras Hindu University
Classification: Pathogenic for Lip and oral cavity carcinoma. Last evaluated: 2019-04-30. Review status: no assertion criteria provided. Collection method: research. Allele origin: somatic. Affected: yes. Not counted in ClinVar's aggregate classification.

OMIM
Classification: Pathogenic for COSTELLO SYNDROME, SEVERE. Last evaluated: 2012-06-10. Review status: no assertion criteria provided. Collection method: literature only. Allele origin: unknown. Not counted in ClinVar's aggregate classification.

OMIM
Classification: Pathogenic for NEVUS SEBACEOUS, SOMATIC. Last evaluated: 2012-06-10. Review status: no assertion criteria provided. Collection method: literature only. Allele origin: somatic. Not counted in ClinVar's aggregate classification.

Baylor Genetics
Classification: Pathogenic for Rasopathy. Review status: no assertion criteria provided. Collection method: clinical testing. Allele origin: unknown. Affected: yes. Not counted in ClinVar's aggregate classification.
Comment: Variant classified using ACMG guidelines

Literature cited by the submitters: PubMed 34940998 (cited by Variantyx, Inc.); PubMed 35050212 (cited by Variantyx, Inc.); PubMed 21850009 (cited by 3 submitters); PubMed 22926243 (cited by 3 submitters); PubMed 26916728 (cited by Victorian Clinical Genetics Services, Murdoch Childrens Research Institute and Labcorp Genetics (formerly Invitae), Labcorp); PubMed 27102959 (cited by Victorian Clinical Genetics Services, Murdoch Childrens Research Institute and Labcorp Genetics (formerly Invitae), Labcorp); PubMed 31222966 (cited by Victorian Clinical Genetics Services, Murdoch Childrens Research Institute); PubMed 18039947 (cited by 5 submitters); PubMed 24224811 (cited by Labcorp Genetics (formerly Invitae), Labcorp); PubMed 20979192 (cited by Labcorp Genetics (formerly Invitae), Labcorp); PubMed 22317973 (cited by Labcorp Genetics (formerly Invitae), Labcorp); PubMed 18642361 (cited by 4 submitters); PubMed 21834037 (cited by Labcorp Genetics (formerly Invitae), Labcorp); PubMed 16170316 (cited by Labcorp Genetics (formerly Invitae), Labcorp); PubMed 23751039 (cited by Labcorp Genetics (formerly Invitae), Labcorp); PubMed 16443854 (cited by Laboratory for Molecular Medicine, Mass General Brigham Personalized Medicine); PubMed 21344638 (cited by Laboratory for Molecular Medicine, Mass General Brigham Personalized Medicine); PubMed 20658932 (cited by Laboratory for Molecular Medicine, Mass General Brigham Personalized Medicine); PubMed 2105486 (cited by Laboratory for Molecular Medicine, Mass General Brigham Personalized Medicine); PubMed 17979197 (cited by Laboratory for Molecular Medicine, Mass General Brigham Personalized Medicine); PubMed 31775759 (cited by Institute of Medical Sciences, Banaras Hindu University); PubMed 22683711 (cited by OMIM).